The following is an entry in ClinVar:

NM_007294.4(BRCA1):c.1018G>A (p.Val340Ile)

Gene: BRCA1 (BRCA1 DNA repair associated; minus strand). Cytogenetic location: 17q21.31.
Variant type: single nucleotide variant.
Coding change: c.1018G>A on transcript NM_007294.4 (MANE Select); coding-DNA position 1018, G replaced by A.
Protein change: p.Val340Ile; replaces valine 340 with isoleucine.
Molecular consequence: missense variant. On other transcripts: intron variant (137).
Genome position (GRCh38, 1-based): chr17:43,094,513, C>T on the plus strand (G>A on the coding strand, the complement: BRCA1 is on the minus strand). VCF-style: chr17-43094513-C-T. GRCh37 (hg19) VCF-style: chr17-41246530-C-T.
Other names: c.808G>A, p.Val270Ile (NM_001407902.1, NM_001407904.1, NM_001407906.1 and 13 more transcripts); c.805G>A, p.Val269Ile (NM_001407915.1, NM_001407916.1, NM_001407917.1 and 9 more transcripts); c.895G>A, p.Val299Ile (NM_001407919.1, NM_001407937.1, NM_001407938.1 and 19 more transcripts); c.754G>A, p.Val252Ile (NM_001407920.1, NM_001407921.1, NM_001407922.1 and 9 more transcripts); c.751G>A, p.Val251Ile (NM_001407930.1, NM_001407931.1, NM_001407932.1 and 2 more transcripts); c.892G>A, p.Val298Ile (NM_001407940.1, NM_001407941.1, NM_001407649.1 and 11 more transcripts); c.877G>A, p.Val293Ile (NM_001407942.1, NM_001407944.1, NM_001407945.1 and 29 more transcripts); c.874G>A, p.Val292Ile (NM_001407943.1, NM_001407964.1, NM_001407740.1 and 20 more transcripts); and 40 more; short protein forms V172I, V212I, V213I, V228I, V229I, V251I, V252I, V269I.
Identifiers: ClinVar variation 3386224 (VCV003386224.1).

ClinVar aggregate classification (germline): Uncertain significance (1 of 4 stars; one submission).

Conditions:
BRCA1-related cancer predisposition. Identifiers: MedGen CN377757, MONDO:0700268.

Submission:

All of Us Research Program, National Institutes of Health
Classification: Uncertain significance for BRCA1-related cancer predisposition. Last evaluated: 2024-03-05. Review status: criteria provided, single submitter. Criteria: ACMG Guidelines, 2015. Collection method: clinical testing. Allele origin: germline. Inheritance: Autosomal dominant inheritance. Observed: 1 variant allele, 1 heterozygote.
Comment: This study involves interpretation of variants in research participants for the purpose of population health screening. Participant phenotype was not available at the time of variant classification. Additional details can be found in publication PMID: 35346344, PMCID: PMC8962531